The following is an entry in ClinVar:

ClinVar aggregate classification (germline): Benign. Review status: reviewed by expert panel (3 of 4 stars). 5 submissions from 5 submitters: Benign (1). 4 of the submissions do not count toward it. Last evaluated 2024-06-24.

Conditions:
RUNX1-related disorder. Also called: RUNX1-related condition.
Hereditary thrombocytopenia and hematologic cancer predisposition syndrome. Identifiers: Orphanet 71290, MedGen CN281654, MONDO:0011071.
Acute myeloid leukemia (AML). Also called: Acute myeloid leukemia, adult; AML adult; Acute non-lymphocytic leukemia; Acute granulocytic leukemia; Leukemia, acute myeloid, somatic; Leukemia, acute myelogenous, somatic. Identifiers: Orphanet 519, MedGen C0023467, MeSH D015470, MONDO:0018874, OMIM 601626, HP:0004808. Disease mechanism: Constitutively activated FLT3.
Hereditary thrombocytopenia and hematological cancer predisposition syndrome associated with RUNX1. Also called: Familial Platelet Disorder with Propensity to Acute Myelogenous Leukemia; Familial thrombocytopenia with propensity to acute myelogenous leukemia; RUNX1 Familial Platelet Disorder with Associated Myeloid Malignancies; PLATELET DISORDER, ASPIRIN-LIKE. Identifiers: Orphanet 71290, MedGen C1832388, MeSH C563324, MONDO:0100083, OMIM 601399.

Allele frequency attached by ClinVar (database versions not stated): gnomAD exomes 0.00002 and 0.00013; gnomAD 0.00003 and 0.00004; TOPMed 0.00004; ExAC 0.00010.
gnomAD v4.1: 29 of 1,613,852 alleles (0.0018%); highest among the groups gnomAD compares: East Asian, 0.06%; no homozygotes.

Submissions (5):

ClinGen Myeloid Malignancy Variant Curation Expert Panel
Classification: Benign for Hereditary thrombocytopenia and hematologic cancer predisposition syndrome. Last evaluated: 2024-06-24. Review status: reviewed by expert panel. Criteria: ClinGen MyeloMalig ACMG Specifications v2. Collection method: curation. Allele origin: germline. Inheritance: Autosomal dominant inheritance.
Comment: This missense variant has been published in Taiwanese patients with CEBPA double-mutated, cytogenetically normal-AML (PMID: 29773598), pediatric T-ALL (PMID: 30280491), and ovarian cancer (PMID: 31761620), although germline origin was unknown for these cases. However, the variant has an MAF of 0.1854% (37/19952 alleles) in the East Asian subpopulation of the gnomAD cohort, which is ≥ 0.0015 (0.15%) (BA1). It also has a REVEL score <0.50 (0.326) and SpliceAI does not predict (Δ scores ≤ 0.20) a significant impact on the canonical splice sites or the creation of putative cryptic splice sites (BP4). In summary, this variant meets criteria to be classified as benign. ACMG/AMP criteria applied, as specified by the ClinGen Myeloid Malignancy Variant Curation Expert Panel for RUNX1: BA1, BP4.

Labcorp Genetics (formerly Invitae), Labcorp
Classification: Likely benign for Hereditary thrombocytopenia and hematological cancer predisposition syndrome associated with RUNX1. Last evaluated: 2025-10-11. Review status: criteria provided, single submitter. Criteria: Invitae Variant Classification Sherloc (09022015). Collection method: clinical testing. Allele origin: germline. Not counted in ClinVar's aggregate classification.

Blueprint Genetics
Classification: Likely benign. Last evaluated: 2023-04-14. Review status: criteria provided, single submitter. Criteria: ACMG Guidelines, 2015. Collection method: clinical testing. Allele origin: germline. Not counted in ClinVar's aggregate classification.

Department of Pathology and Laboratory Medicine, Sinai Health System
Classification: Uncertain significance for Hereditary thrombocytopenia and hematological cancer predisposition syndrome associated with RUNX1; Acute myeloid leukemia. Last evaluated: 2022-11-01. Review status: criteria provided, single submitter. Criteria: ACMG Guidelines, 2015. Collection method: research. Allele origin: germline. Not counted in ClinVar's aggregate classification.

PreventionGenetics, part of Exact Sciences
Classification: Likely benign for RUNX1-related condition. Last evaluated: 2024-09-05. Review status: no assertion criteria provided. Collection method: clinical testing. Allele origin: germline. Not counted in ClinVar's aggregate classification.
Comment: This variant is classified as likely benign based on ACMG/AMP sequence variant interpretation guidelines (Richards et al. 2015 PMID: 25741868, with internal and published modifications).

NM_001754.5(RUNX1):c.812G>A (p.Arg271Lys)

Gene: RUNX1 (RUNX family transcription factor 1; minus strand). Cytogenetic location: 21q22.12.
Variant type: single nucleotide variant.
Coding change: c.812G>A on transcript NM_001754.5 (MANE Select); coding-DNA position 812, G replaced by A.
Protein change: p.Arg271Lys; replaces arginine 271 with lysine.
Molecular consequence: missense variant.
Genome position (GRCh38, 1-based): chr21:34,799,456, C>T on the plus strand (G>A on the coding strand, the complement: RUNX1 is on the minus strand). VCF-style: chr21-34799456-C-T. GRCh37 (hg19) VCF-style: chr21-36171753-C-T.
Other names: NM_001754.5(RUNX1):c.812G>A; p.Arg271Lys; c.731G>A, p.Arg244Lys (NM_001001890.3); short protein forms R244K, R271K.
Identifiers: ClinVar variation 699735 (VCV000699735.14), dbSNP rs750826029, ClinGen allele CA10014290.